The following is an entry in ClinVar:

NM_001127198.5(TMC6):c.1354del (p.Val452fs)

Gene: TMC6 (transmembrane channel like 6; minus strand). Cytogenetic location: 17q25.3.
Variant type: Deletion.
Coding change: c.1354del on transcript NM_001127198.5 (MANE Select); coding-DNA position 1354, one base deleted (G; older notation c.1354delG).
Protein change: p.Val452fs; shifts the reading frame from valine 452.
Molecular consequence: frameshift variant. On other transcripts: non-coding transcript variant (4).
Genome position (GRCh38, 1-based): chr17:78,121,585, C deleted on the plus strand (G on the coding strand, the reverse complement: TMC6 is on the minus strand). VCF-style (leftmost placement, unchanged base first): chr17-78121584-AC-A. GRCh37 (hg19) VCF-style: chr17-76117665-AC-A.
Other names: c.1354del, p.Val452fs (NM_001321185.1, NM_001374593.1, NM_001374594.1 and 4 more transcripts); short protein forms V452fs.
Identifiers: ClinVar variation 2027415 (VCV002027415.4), dbSNP rs2510516321, ClinGen allele CA2580095247.
Genomic context (GRCh38, chr17:78,121,584, plus strand): 5'-AAGCAAGGGCCAGGCTCCCCCCATCCCCGCACCTGGATCATGAACTCCGAGAAGACGTGG[AC>A]GGCCACGGCGCAGCCCAGCGCGGTCCCCAGACACAGCAGCCACACAAGCCCCAGCACAGC-3'

ClinVar aggregate classification (germline): Pathogenic (1 of 4 stars; one submission).

Conditions:
Epidermodysplasia verruciformis. Identifiers: Orphanet 302, MedGen C0014522, MONDO:0009176.

Submission:

Labcorp Genetics (formerly Invitae), Labcorp
Classification: Pathogenic for Epidermodysplasia verruciformis. Last evaluated: 2022-08-27. Review status: criteria provided, single submitter. Criteria: Invitae Variant Classification Sherloc (09022015). Collection method: clinical testing. Allele origin: germline.
Comment: For these reasons, this variant has been classified as Pathogenic. This variant has not been reported in the literature in individuals affected with TMC6-related conditions. This variant is not present in population databases (gnomAD no frequency). This sequence change creates a premature translational stop signal (p.Val452Serfs*8) in the TMC6 gene. It is expected to result in an absent or disrupted protein product. Loss-of-function variants in TMC6 are known to be pathogenic (PMID: 15042430, 17139267).

Literature cited by the submitters: PubMed 15042430; PubMed 17139267.